The following is an entry in ClinVar:

NM_000081.4(LYST):c.5674A>G (p.Met1892Val)

Gene: LYST (lysosomal trafficking regulator; minus strand). Cytogenetic location: 1q42.3.
Variant type: single nucleotide variant.
Coding change: c.5674A>G on transcript NM_000081.4 (MANE Select); coding-DNA position 5674, A replaced by G.
Protein change: p.Met1892Val; replaces methionine 1892 with valine.
Molecular consequence: missense variant.
Genome position (GRCh38, 1-based): chr1:235,773,952, T>C on the plus strand (A>G on the coding strand, the complement: LYST is on the minus strand). VCF-style: chr1-235773952-T-C. GRCh37 (hg19) VCF-style: chr1-235937252-T-C.
Other names: p.Met1892Val; c.5674A>G (NM_000081.3); c.5674A>G, p.Met1892Val (NM_001301365.1); short protein forms M1892V.
Identifiers: ClinVar variation 1051269 (VCV001051269.13), dbSNP rs200512692, ClinGen allele CA1466555.

ClinVar aggregate classification (germline): Conflicting classifications of pathogenicity. Review status: criteria provided, conflicting classifications (1 of 4 stars). 3 submissions from 3 submitters: Uncertain significance (2); Likely benign (1). Last evaluated 2026-01-14.

Conditions:
Chédiak-Higashi syndrome (CHS). Also called: Chediak-Higashi Syndrome. Identifiers: Orphanet 167, MedGen C0007965, MONDO:0008963, OMIM 214500.

Allele frequency attached by ClinVar (database versions not stated): TOPMed 0.00002; gnomAD 0.00003; ExAC 0.00018.

Submissions (4):

Labcorp Genetics (formerly Invitae), Labcorp
Classification: Likely benign for Chédiak-Higashi syndrome. Last evaluated: 2026-01-14. Review status: criteria provided, single submitter. Criteria: Invitae Variant Classification Sherloc (09022015). Collection method: clinical testing. Allele origin: germline.

Mayo Clinic Laboratories, Mayo Clinic
Classification: Uncertain significance. Last evaluated: 2025-09-23. Review status: criteria provided, single submitter. Criteria: ACMG Guidelines, 2015. Collection method: clinical testing. Allele origin: germline. Observed: 1 variant allele.
Comment: BP4_moderate

Revvity Omics, Revvity
Classification: Uncertain significance for Chédiak-Higashi syndrome. Last evaluated: 2019-04-10. Review status: criteria provided, single submitter. Criteria: ACMG Guidelines, 2015. Collection method: clinical testing. Allele origin: germline.

Dr. Peter K. Rogan Lab, Western University
No classification provided (evidence only). Condition: Clear cell carcinoma of kidney. Review status: no classification provided. Collection method: in vitro. Allele origin: not applicable. Functional consequence: retained intron. Not counted in ClinVar's aggregate classification.